The following is an entry in ClinVar:

ClinVar aggregate classification (germline): Uncertain significance (1 of 4 stars; one submission).

Conditions:
Emery-Dreifuss muscular dystrophy 5, autosomal dominant (EDMD5). Also called: EMERY-DREIFUSS MUSCULAR DYSTROPHY 5. Identifiers: Orphanet 261, MedGen C2751805, MONDO:0013072, OMIM 612999.

Allele frequency attached by ClinVar (database versions not stated): gnomAD exomes 0.00002; ExAC 0.00003.
gnomAD v4.1: 29 of 1,613,536 alleles (0.0018%); highest among the groups gnomAD compares: South Asian, 0.027%; no homozygotes.

Submission:

Labcorp Genetics (formerly Invitae), Labcorp
Classification: Uncertain significance for Emery-Dreifuss muscular dystrophy 5, autosomal dominant. Last evaluated: 2023-08-25. Review status: criteria provided, single submitter. Criteria: Invitae Variant Classification Sherloc (09022015). Collection method: clinical testing. Allele origin: germline.
Comment: In summary, the available evidence is currently insufficient to determine the role of this variant in disease. Therefore, it has been classified as a Variant of Uncertain Significance. An algorithm developed to predict the effect of missense changes on protein structure and function (PolyPhen-2) suggests that this variant is likely to be tolerated. This variant has not been reported in the literature in individuals affected with SYNE2-related conditions. This variant is present in population databases (rs764179584, gnomAD 0.02%). This sequence change replaces glutamine, which is neutral and polar, with lysine, which is basic and polar, at codon 2440 of the SYNE2 protein (p.Gln2440Lys).

NM_182914.3(SYNE2):c.7318C>A (p.Gln2440Lys)

Gene: SYNE2 (spectrin repeat containing nuclear envelope protein 2; plus strand). Cytogenetic location: 14q23.2.
Variant type: single nucleotide variant.
Coding change: c.7318C>A on transcript NM_182914.3 (MANE Select); coding-DNA position 7318, C replaced by A.
Protein change: p.Gln2440Lys; replaces glutamine 2440 with lysine.
Molecular consequence: missense variant.
Genome position (GRCh38, 1-based): chr14:64,048,096, C>A. VCF-style: chr14-64048096-C-A. GRCh37 (hg19) VCF-style: chr14-64514814-C-A.
Other names: c.7318C>A, p.Gln2440Lys (NM_015180.6); short protein forms Q2440K.
Identifiers: ClinVar variation 2740791 (VCV002740791.3), dbSNP rs764179584, ClinGen allele CA7220898.
Genomic context (GRCh38, chr14:64,048,096, plus strand): 5'-TCTCTTAATGCTCAAGAAAGCATGAAAAACACTGAAGATGAGCGGAAAGTCAATGAGCTG[C>A]AAAATCAACCTTTAGAATTAGATACTATGTTAAGAAATGAACAATTAGAAGAGATAGAGG-3'
Protein context (NP_878918.2, residues 2430-2450): TEDERKVNEL[Gln2440Lys]NQPLELDTML